The following is an entry in ClinVar:

ClinVar aggregate classification (germline): Likely benign. Review status: criteria provided, multiple submitters, no conflicts (2 of 4 stars). 4 submissions from 4 submitters: Likely benign (4). Last evaluated 2026-04-01.

Allele frequency attached by ClinVar (database versions not stated): ExAC 0.00007; gnomAD 0.00011; gnomAD exomes 0.00012; TOPMed 0.00014; 1000 Genomes Project 30x 0.00016; 1000 Genomes Project 0.00020.
gnomAD v4.1: 121 of 1,614,176 alleles (0.0075%); highest among the groups gnomAD compares: Admixed American, 0.055%; no homozygotes.

Submissions (4):

CeGaT Center for Human Genetics Tuebingen
Classification: Likely benign. Last evaluated: 2026-04-01. Review status: criteria provided, single submitter. Criteria: CeGaT Center For Human Genetics Tuebingen Variant Classification Criteria Version 2. Collection method: clinical testing. Allele origin: germline. Affected: yes. Observed: 2 variant alleles.
Comment: MTOR: BP4, BP7

Labcorp Genetics (formerly Invitae), Labcorp
Classification: Likely benign. Last evaluated: 2026-01-06. Review status: criteria provided, single submitter. Criteria: Invitae Variant Classification Sherloc (09022015). Collection method: clinical testing. Allele origin: germline.

Blueprint Genetics
Classification: Likely benign. Last evaluated: 2023-09-01. Review status: criteria provided, single submitter. Criteria: ACMG Guidelines, 2015. Collection method: clinical testing. Allele origin: germline.

GeneDx
Classification: Likely benign. Last evaluated: 2020-08-10. Review status: criteria provided, single submitter. Criteria: GeneDx Variant Classification Process June 2021. Collection method: clinical testing. Allele origin: germline. Affected: yes.

NM_004958.4(MTOR):c.4980C>T (p.Cys1660=)

Gene: MTOR (mechanistic target of rapamycin kinase; minus strand). Cytogenetic location: 1p36.22.
Variant type: single nucleotide variant.
Coding change: c.4980C>T on transcript NM_004958.4 (MANE Select); coding-DNA position 4980, C replaced by T.
Protein change: p.Cys1660=; no amino-acid change (cysteine 1660 retained).
Molecular consequence: synonymous variant.
Genome position (GRCh38, 1-based): chr1:11,139,551, G>A on the plus strand (C>T on the coding strand, the complement: MTOR is on the minus strand). VCF-style: chr1-11139551-G-A. GRCh37 (hg19) VCF-style: chr1-11199608-G-A.
Identifiers: ClinVar variation 703677 (VCV000703677.40), dbSNP rs202113962, ClinGen allele CA589492.